The following is an entry in ClinVar:

ClinVar aggregate classification (germline): Likely benign. Review status: criteria provided, multiple submitters, no conflicts (2 of 4 stars). 6 submissions from 5 submitters: Likely benign (6). Last evaluated 2026-01-20.

Conditions:
Usher syndrome type 2A. Also called: RETINAL DISEASE IN USHER SYNDROME TYPE IIA, MODIFIER OF; USHER SYNDROME, TYPE IIA. Identifiers: Orphanet 231178, Orphanet 886, MedGen C1848634, MONDO:0010169, OMIM 276901.
Retinitis pigmentosa 39 (RP39). Identifiers: Orphanet 791, MedGen C3151138, MONDO:0013436, OMIM 613809.

Allele frequency attached by ClinVar (database versions not stated): TOPMed below 0.00001.
gnomAD v4.1: 43 of 1,613,254 alleles (0.0027%); highest among the groups gnomAD compares: Middle Eastern, 0.033%; no homozygotes.

Submissions (6):

Labcorp Genetics (formerly Invitae), Labcorp
Classification: Likely benign. Last evaluated: 2026-01-20. Review status: criteria provided, single submitter. Criteria: Invitae Variant Classification Sherloc (09022015). Collection method: clinical testing. Allele origin: germline.

Blueprint Genetics
Classification: Likely benign. Last evaluated: 2024-09-24. Review status: criteria provided, single submitter. Criteria: ACMG Guidelines, 2015. Collection method: clinical testing. Allele origin: germline.

Genome-Nilou Lab
Classification: Likely benign for Retinitis pigmentosa 39. Last evaluated: 2023-11-04. Review status: criteria provided, single submitter. Criteria: ACMG Guidelines, 2015. Collection method: clinical testing. Allele origin: germline. Affected: no.

Genome-Nilou Lab
Classification: Likely benign for Usher syndrome type 2A. Last evaluated: 2023-11-04. Review status: criteria provided, single submitter. Criteria: ACMG Guidelines, 2015. Collection method: clinical testing. Allele origin: germline. Affected: no.

CeGaT Center for Human Genetics Tuebingen
Classification: Likely benign. Last evaluated: 2023-01-01. Review status: criteria provided, single submitter. Criteria: CeGaT Center For Human Genetics Tuebingen Variant Classification Criteria Version 2. Collection method: clinical testing. Allele origin: germline. Affected: yes. Observed: 1 variant allele.
Comment: USH2A: BP4, BP7

Laboratory for Molecular Medicine, Mass General Brigham Personalized Medicine
Classification: Likely benign. Last evaluated: 2016-06-16. Review status: criteria provided, single submitter. Criteria: LMM Criteria. Collection method: clinical testing. Allele origin: germline. Observed: 1 variant allele.
Comment: p.Gly229Gly in exon 4 of USH2A: This variant is not expected to have clinical si gnificance because it does not alter an amino acid residue and is not located wi thin the splice consensus sequence. It has been identified in 2/66640 European c hromosomes by the Exome Aggregation Consortium (ExAC .org; dbSNP rs766740504).

NM_206933.4(USH2A):c.687C>A (p.Gly229=)

Gene: USH2A (usherin; minus strand). Cytogenetic location: 1q41.
Variant type: single nucleotide variant.
Coding change: c.687C>A on transcript NM_206933.4 (MANE Select); coding-DNA position 687, C replaced by A.
Protein change: p.Gly229=; no amino-acid change (glycine 229 retained).
Molecular consequence: synonymous variant.
Genome position (GRCh38, 1-based): chr1:216,365,050, G>T on the plus strand (C>A on the coding strand, the complement: USH2A is on the minus strand). VCF-style: chr1-216365050-G-T. GRCh37 (hg19) VCF-style: chr1-216538392-G-T.
Other names: c.687C>A, p.Gly229= (NM_007123.6).
Identifiers: ClinVar variation 505174 (VCV000505174.38), dbSNP rs766740504, ClinGen allele CA1396718.